The following is an entry in ClinVar:

NM_001457.4(FLNB):c.3139G>A (p.Gly1047Ser)

Gene: FLNB (filamin B; plus strand). Cytogenetic location: 3p14.3.
Variant type: single nucleotide variant.
Coding change: c.3139G>A on transcript NM_001457.4 (MANE Select); coding-DNA position 3139, G replaced by A.
Protein change: p.Gly1047Ser; replaces glycine 1047 with serine.
Molecular consequence: missense variant.
Genome position (GRCh38, 1-based): chr3:58,123,105, G>A. VCF-style: chr3-58123105-G-A. GRCh37 (hg19) VCF-style: chr3-58108832-G-A.
Other names: c.3139G>A, p.Gly1047Ser (NM_001164317.2, NM_001164318.2, NM_001164319.2); short protein forms G1047S.
Identifiers: ClinVar variation 5006677 (VCV005006677.2).

ClinVar aggregate classification (germline): Uncertain significance (1 of 4 stars; one submission).

Conditions:
Larsen syndrome (LRS). Also called: Larsen syndrome (FLNB-LS); Bilateral dislocation of the knees, pes cavus, cylindrically shaped fingers and characteristic facies. Identifiers: Orphanet 503, MedGen C0175778, MONDO:0007875, OMIM 150250. Disease mechanism: loss of function.

gnomAD v4.1: 4 of 1,614,022 alleles (0.00025%); highest among the groups gnomAD compares: Non-Finnish European, 0.00034%; no homozygotes.

Submission:

Juno Genomics, Hangzhou Juno Genomics, Inc
Classification: Uncertain significance for Larsen syndrome. Review status: criteria provided, single submitter. Criteria: ACMG Guidelines, 2015. Collection method: clinical testing. Allele origin: germline.
Comment: Missense variant in a gene that has a low rate of benign missense variation.;Multiple lines of computational evidence support a deleterious effect on the gene or gene product.;Absent from controls (or at extremely low frequency if recessive) in Genome Aggregation Database.